The following is an entry in ClinVar:

ClinVar aggregate classification (germline): Likely pathogenic (1 of 4 stars; one submission).

Conditions:
Autosomal recessive limb-girdle muscular dystrophy type R18 (LGMDR18). Also called: MUSCULAR DYSTROPHY, LIMB-GIRDLE, AUTOSOMAL RECESSIVE 18; Autosomal recessive limb-girdle muscular dystrophy type 2S; Limb-girdle muscular dystrophy, type 2S. Identifiers: Orphanet 369840, MedGen C4517996, MONDO:0014144, OMIM 615356.

gnomAD v4.1: 2 of 1,613,358 alleles (0.00012%); highest among the groups gnomAD compares: Non-Finnish European, 0.000085%; no homozygotes.

Submission:

Labcorp Genetics (formerly Invitae), Labcorp
Classification: Likely pathogenic for Autosomal recessive limb-girdle muscular dystrophy type R18. Last evaluated: 2024-09-22. Review status: criteria provided, single submitter. Criteria: Invitae Variant Classification Sherloc (09022015). Collection method: clinical testing. Allele origin: germline.
Comment: This sequence change affects a donor splice site in intron 12 of the TRAPPC11 gene. It is expected to disrupt RNA splicing. Variants that disrupt the donor or acceptor splice site typically lead to a loss of protein function (PMID: 16199547), and loss-of-function variants in TRAPPC11 are known to be pathogenic (PMID: 23830518, 26322222). This variant is not present in population databases (gnomAD no frequency). This variant has not been reported in the literature in individuals affected with TRAPPC11-related conditions. Algorithms developed to predict the effect of sequence changes on RNA splicing suggest that this variant may disrupt the consensus splice site. In summary, the currently available evidence indicates that the variant is pathogenic, but additional data are needed to prove that conclusively. Therefore, this variant has been classified as Likely Pathogenic.

Literature cited by the submitters: PubMed 16199547; PubMed 23830518; PubMed 26322222.

NM_021942.6(TRAPPC11):c.1287+1G>C

Gene: TRAPPC11 (trafficking protein particle complex subunit 11; plus strand). Cytogenetic location: 4q35.1.
Variant type: single nucleotide variant.
Coding change: c.1287+1G>C on transcript NM_021942.6 (MANE Select); the canonical splice donor site of the intron after coding-DNA position 1287, G replaced by C.
Molecular consequence: splice donor variant.
Genome position (GRCh38, 1-based): chr4:183,684,055, G>C. VCF-style: chr4-183684055-G-C. GRCh37 (hg19) VCF-style: chr4-184605208-G-C.
Other names: c.1287+1G>C (NM_199053.3).
Identifiers: ClinVar variation 3719457 (VCV003719457.2).